The following is an entry in ClinVar:

NM_002599.5(PDE2A):c.1545C>G (p.Ile515Met)

Gene: PDE2A (phosphodiesterase 2A; minus strand). Cytogenetic location: 11q13.4.
Variant type: single nucleotide variant.
Coding change: c.1545C>G on transcript NM_002599.5 (MANE Select); coding-DNA position 1545, C replaced by G.
Protein change: p.Ile515Met; replaces isoleucine 515 with methionine.
Molecular consequence: missense variant.
Genome position (GRCh38, 1-based): chr11:72,584,306, G>C on the plus strand (C>G on the coding strand, the complement: PDE2A is on the minus strand). VCF-style: chr11-72584306-G-C. GRCh37 (hg19) VCF-style: chr11-72295350-G-C.
Other names: c.1524C>G, p.Ile508Met (NM_001143839.4); c.1518C>G, p.Ile506Met (NM_001146209.3); c.1482C>G, p.Ile494Met (NM_001243784.2); short protein forms I494M, I515M, I506M, I508M.
Identifiers: ClinVar variation 2006667 (VCV002006667.4), dbSNP rs2496283415, ClinGen allele CA381757756.

ClinVar aggregate classification (germline): Uncertain significance (1 of 4 stars; one submission).

Allele frequency attached by ClinVar (database versions not stated): gnomAD exomes below 0.00001.
gnomAD v4.1: 1 of 1,603,910 alleles (0.000062%); highest among the groups gnomAD compares: Non-Finnish European, 0.000085%; no homozygotes.

Submission:

Labcorp Genetics (formerly Invitae), Labcorp
Classification: Uncertain significance. Last evaluated: 2022-09-19. Review status: criteria provided, single submitter. Criteria: Invitae Variant Classification Sherloc (09022015). Collection method: clinical testing. Allele origin: germline.
Comment: This variant has not been reported in the literature in individuals affected with PDE2A-related conditions. This sequence change replaces isoleucine, which is neutral and non-polar, with methionine, which is neutral and non-polar, at codon 515 of the PDE2A protein (p.Ile515Met). This variant is not present in population databases (gnomAD no frequency). Algorithms developed to predict the effect of missense changes on protein structure and function are either unavailable or do not agree on the potential impact of this missense change (SIFT: "Deleterious"; PolyPhen-2: "Probably Damaging"; Align-GVGD: "Class C0"). In summary, the available evidence is currently insufficient to determine the role of this variant in disease. Therefore, it has been classified as a Variant of Uncertain Significance.